The following is an entry in ClinVar:

NM_000336.3(SCNN1B):c.1435C>T (p.Arg479Trp)

Gene: SCNN1B (sodium channel epithelial 1 subunit beta; plus strand). Cytogenetic location: 16p12.2.
Variant type: single nucleotide variant.
Coding change: c.1435C>T on transcript NM_000336.3 (MANE Select); coding-DNA position 1435, C replaced by T.
Protein change: p.Arg479Trp; replaces arginine 479 with tryptophan.
Molecular consequence: missense variant.
Genome position (GRCh38, 1-based): chr16:23,378,736, C>T. VCF-style: chr16-23378736-C-T. GRCh37 (hg19) VCF-style: chr16-23390057-C-T.
Other names: c.1327C>T, p.Arg443Trp (NM_001410900.1); short protein forms R479W, R443W.
Identifiers: ClinVar variation 4699123 (VCV004699123.1).

ClinVar aggregate classification (germline): Uncertain significance (1 of 4 stars; one submission).

gnomAD v4.1: 42 of 1,613,954 alleles (0.0026%); highest among the groups gnomAD compares: East Asian, 0.0067%; no homozygotes.

Submission:

Labcorp Genetics (formerly Invitae), Labcorp
Classification: Uncertain significance. Last evaluated: 2025-11-23. Review status: criteria provided, single submitter. Criteria: Invitae Variant Classification Sherloc (09022015). Collection method: clinical testing. Allele origin: germline.
Comment: This sequence change replaces arginine, which is basic and polar, with tryptophan, which is neutral and slightly polar, at codon 479 of the SCNN1B protein (p.Arg479Trp). This variant is present in population databases (rs760180087, gnomAD 0.005%). This variant has not been reported in the literature in individuals affected with SCNN1B-related conditions. Invitae Evidence Modeling of protein sequence and biophysical properties (such as structural, functional, and spatial information, amino acid conservation, physicochemical variation, residue mobility, and thermodynamic stability) has been performed for this missense variant. However, the output from this modeling did not meet the statistical confidence thresholds required to predict the impact of this variant on SCNN1B protein function. In summary, the available evidence is currently insufficient to determine the role of this variant in disease. Therefore, it has been classified as a Variant of Uncertain Significance.